The following is an entry in ClinVar:

NM_001261826.3(AP3D1):c.2282C>T (p.Pro761Leu)

Gene: AP3D1 (adaptor related protein complex 3 subunit delta 1; minus strand). Cytogenetic location: 19p13.3.
Variant type: single nucleotide variant.
Coding change: c.2282C>T on transcript NM_001261826.3 (MANE Select); coding-DNA position 2282, C replaced by T.
Protein change: p.Pro761Leu; replaces proline 761 with leucine.
Molecular consequence: missense variant.
Genome position (GRCh38, 1-based): chr19:2,115,286, G>A on the plus strand (C>T on the coding strand, the complement: AP3D1 is on the minus strand). VCF-style: chr19-2115286-G-A. GRCh37 (hg19) VCF-style: chr19-2115285-G-A.
Other names: c.2282C>T, p.Pro761Leu (NM_001374799.1, NM_003938.8); c.2282C>T (NM_003938.5); short protein forms P761L.
Identifiers: ClinVar variation 2981180 (VCV002981180.4), dbSNP rs543722166, ClinGen allele CA9058941.
Genomic context (GRCh38, chr19:2,115,286, plus strand): 5'-ATCTCCTCTGTGACGATGTCCACCTGCTGGGCAGGGGCGATGTCCTCGTCGCTCTCCGTG[G>A]GCAGCGAGCTGTGGCGGCGCTTGCCCTTCTTCTCCTTCTCCTTCCTCTTTTTCCTCCTCT-3'
Protein context (NP_001248755.1, residues 751-771): KKGKRRHSSL[Pro761Leu]TESDEDIAPA

ClinVar aggregate classification (germline): Uncertain significance. Review status: criteria provided, multiple submitters, no conflicts (2 of 4 stars). 2 submissions from 2 submitters: Uncertain significance (2). Last evaluated 2024-02-28.

Conditions:
Inborn genetic diseases. Identifiers: MedGen C0950123, MeSH D030342.

Allele frequency attached by ClinVar (database versions not stated): gnomAD exomes below 0.00001; gnomAD 0.00001; ExAC 0.00002; TOPMed 0.00003; 1000 Genomes Project 30x 0.00016; 1000 Genomes Project 0.00020.
gnomAD v4.1: 6 of 1,613,422 alleles (0.00037%); highest among the groups gnomAD compares: Admixed American, 0.005%; no homozygotes.

Submissions (2):

Ambry Genetics
Classification: Uncertain significance for Inborn genetic diseases. Last evaluated: 2024-02-28. Review status: criteria provided, single submitter. Criteria: Ambry Variant Classification Scheme 2023. Collection method: clinical testing. Allele origin: germline.

Labcorp Genetics (formerly Invitae), Labcorp
Classification: Uncertain significance. Last evaluated: 2023-08-10. Review status: criteria provided, single submitter. Criteria: Invitae Variant Classification Sherloc (09022015). Collection method: clinical testing. Allele origin: germline.
Comment: In summary, the available evidence is currently insufficient to determine the role of this variant in disease. Therefore, it has been classified as a Variant of Uncertain Significance. An algorithm developed to predict the effect of missense changes on protein structure and function (PolyPhen-2) suggests that this variant is likely to be tolerated. This variant has not been reported in the literature in individuals affected with AP3D1-related conditions. The frequency data for this variant in the population databases is considered unreliable, as metrics indicate poor data quality at this position in the gnomAD database. This sequence change replaces proline, which is neutral and non-polar, with leucine, which is neutral and non-polar, at codon 761 of the AP3D1 protein (p.Pro761Leu).